The following is an entry in ClinVar:

ClinVar aggregate classification (germline): Uncertain significance. Review status: criteria provided, multiple submitters, no conflicts (2 of 4 stars). 4 submissions from 4 submitters: Uncertain significance (4). Last evaluated 2025-12-10.

Conditions:
Hereditary nonpolyposis colorectal neoplasms. Identifiers: MedGen C0009405, MeSH D003123.
Hereditary cancer-predisposing syndrome. Also called: Neoplastic Syndromes, Hereditary; Hereditary Cancer Syndrome; Tumor predisposition; Hereditary neoplastic syndrome. Identifiers: Orphanet 140162, MedGen C0027672, MeSH D009386, MONDO:0015356.

Submissions (4):

Labcorp Genetics (formerly Invitae), Labcorp
Classification: Uncertain significance for Hereditary nonpolyposis colorectal neoplasms. Last evaluated: 2025-12-10. Review status: criteria provided, single submitter. Criteria: Invitae Variant Classification Sherloc (09022015). Collection method: clinical testing. Allele origin: germline.
Comment: This sequence change replaces histidine, which is basic and polar, with asparagine, which is neutral and polar, at codon 170 of the PMS2 protein (p.His170Asn). This variant is not present in population databases (gnomAD no frequency). This variant has not been reported in the literature in individuals affected with PMS2-related conditions. ClinVar contains an entry for this variant (Variation ID: 234669). Invitae Evidence Modeling incorporating data from in vitro experimental studies (internal data) indicates that this missense variant is not expected to disrupt PMS2 function with a negative predictive value of 95%. In summary, the available evidence is currently insufficient to determine the role of this variant in disease. Therefore, it has been classified as a Variant of Uncertain Significance.

Ambry Genetics
Classification: Uncertain significance for Hereditary cancer-predisposing syndrome. Last evaluated: 2025-12-03. Review status: criteria provided, single submitter. Criteria: Ambry Variant Classification Scheme 2023. Collection method: clinical testing. Allele origin: germline.
Comment: The p.H170N variant (also known as c.508C>A), located in coding exon 5 of the PMS2 gene, results from a C to A substitution at nucleotide position 508. The histidine at codon 170 is replaced by asparagine, an amino acid with similar properties. This amino acid position is well conserved in available vertebrate species. In addition, the in silico prediction for this alteration is inconclusive. Based on the available evidence, the clinical significance of this variant remains unclear.

Blueprint Genetics
Classification: Uncertain significance. Last evaluated: 2021-01-28. Review status: criteria provided, single submitter. Criteria: ACMG Guidelines, 2015. Collection method: clinical testing. Allele origin: germline.

GeneDx
Classification: Uncertain significance. Last evaluated: 2015-12-03. Review status: criteria provided, single submitter. Criteria: GeneDx Variant Classification (06012015). Collection method: clinical testing. Allele origin: germline. Affected: yes.
Comment: This variant is denoted PMS2 c.508C>A at the cDNA level, p.His170Asn (H170N) at the protein level, and results in the change of a Histidine to an Asparagine (CAT>AAT). This variant has not, to our knowledge, been published in the literature as pathogenic or benign. PMS2 His170Asn was not observed in approximately 6,500 individuals of European and African American ancestry in the NHLBI Exome Sequencing Project, suggesting it is not a common benign variant in these populations. Since Histidine and Asparagine differ in some properties, this is considered a semi-conservative amino acid substitution. PMS2 His170Asn occurs at a position that is not conserved and is located in the ATPase domain (Fukui 2011, Guarne 2001). In silico analyses are inconsistent regarding the effect this variant may have on protein structure and function. Based on currently available evidence, it is unclear whether PMS2 His170Asn is a pathogenic or benign variant. We consider it to be a variant of uncertain significance.

NM_000535.7(PMS2):c.508C>A (p.His170Asn)

Gene: PMS2 (PMS1 homolog 2, mismatch repair system component; minus strand). Cytogenetic location: 7p22.1.
Variant type: single nucleotide variant.
Coding change: c.508C>A on transcript NM_000535.7 (MANE Select); coding-DNA position 508, C replaced by A.
Protein change: p.His170Asn; replaces histidine 170 with asparagine.
Molecular consequence: missense variant. On other transcripts: 5 prime UTR variant (2), non-coding transcript variant (1).
Genome position (GRCh38, 1-based): chr7:6,002,482, G>T on the plus strand (C>A on the coding strand, the complement: PMS2 is on the minus strand). VCF-style: chr7-6002482-G-T. GRCh37 (hg19) VCF-style: chr7-6042113-G-T.
Other names: c.103C>A, p.His35Asn (NM_001322003.2, NM_001322004.2, NM_001322005.2 and 3 more transcripts); c.508C>A, p.His170Asn (NM_001322006.2, NM_001322014.2); c.190C>A, p.His64Asn (NM_001322007.2, NM_001322008.2); c.-377C>A (NM_001322011.2, NM_001322012.2); c.199C>A, p.His67Asn (NM_001322015.2); short protein forms H170N, H35N, H64N, H67N.
Identifiers: ClinVar variation 234669 (VCV000234669.15), dbSNP rs876661152, ClinGen allele CA10577350.